The following is an entry in ClinVar:

NM_000088.4(COL1A1):c.2819A>T (p.Asp940Val)

Gene: COL1A1 (collagen type I alpha 1 chain; minus strand). Cytogenetic location: 17q21.33.
Variant type: single nucleotide variant.
Coding change: c.2819A>T on transcript NM_000088.4 (MANE Select); coding-DNA position 2819, A replaced by T.
Protein change: p.Asp940Val; replaces aspartic acid 940 with valine.
Molecular consequence: missense variant.
Genome position (GRCh38, 1-based): chr17:50,189,387, T>A on the plus strand (A>T on the coding strand, the complement: COL1A1 is on the minus strand). VCF-style: chr17-50189387-T-A. GRCh37 (hg19) VCF-style: chr17-48266748-T-A.
Other names: short protein forms D940V.
Identifiers: ClinVar variation 1331231 (VCV001331231.7), dbSNP rs1339193404, ClinGen allele CA400205421.

ClinVar aggregate classification (germline): Uncertain significance. Review status: criteria provided, multiple submitters, no conflicts (2 of 4 stars). 5 submissions from 5 submitters: Uncertain significance (5). Last evaluated 2026-03-12.

Conditions:
Osteogenesis imperfecta type I (OI1). Also called: OI, TYPE I; OSTEOGENESIS IMPERFECTA TARDA; OSTEOGENESIS IMPERFECTA WITH BLUE SCLERAE; Osteogenesis imperfecta type 1; Lobstein's Disease; Lobstein disease. Identifiers: Orphanet 216796, Orphanet 666, MedGen C0023931, MONDO:0008146, OMIM 166200. Disease mechanism: loss of function.
Cardiovascular phenotype. Identifiers: MedGen CN230736.
COL1A1-related disorder. Also called: COL1A1-related condition; COL1A1- related disease.

Allele frequency attached by ClinVar (database versions not stated): gnomAD exomes below 0.00001; gnomAD 0.00001; TOPMed 0.00001.
gnomAD v4.1: 5 of 1,612,300 alleles (0.00031%); highest among the groups gnomAD compares: Non-Finnish European, 0.00042%; no homozygotes.

Submissions (5):

Ambry Genetics
Classification: Uncertain significance for Cardiovascular phenotype. Last evaluated: 2026-03-12. Review status: criteria provided, single submitter. Criteria: Ambry Variant Classification Scheme 2023. Collection method: clinical testing. Allele origin: germline.
Comment: The p.D940V variant (also known as c.2819A>T), located in coding exon 39 of the COL1A1 gene, results from an A to T substitution at nucleotide position 2819. The aspartic acid at codon 940 is replaced by valine, an amino acid with highly dissimilar properties. This amino acid position is conserved. In addition, the in silico prediction for this alteration is inconclusive. Based on the available evidence, the clinical significance of this variant remains unclear.

Labcorp Genetics (formerly Invitae), Labcorp
Classification: Uncertain significance for Osteogenesis imperfecta type I. Last evaluated: 2024-08-21. Review status: criteria provided, single submitter. Criteria: Invitae Variant Classification Sherloc (09022015). Collection method: clinical testing. Allele origin: germline.
Comment: This sequence change replaces aspartic acid, which is acidic and polar, with valine, which is neutral and non-polar, at codon 940 of the COL1A1 protein (p.Asp940Val). This variant is not present in population databases (gnomAD no frequency). This variant has not been reported in the literature in individuals affected with COL1A1-related conditions. ClinVar contains an entry for this variant (Variation ID: 1331231). Invitae Evidence Modeling of protein sequence and biophysical properties (such as structural, functional, and spatial information, amino acid conservation, physicochemical variation, residue mobility, and thermodynamic stability) has been performed for this missense variant. However, the output from this modeling did not meet the statistical confidence thresholds required to predict the impact of this variant on COL1A1 protein function. In summary, the available evidence is currently insufficient to determine the role of this variant in disease. Therefore, it has been classified as a Variant of Uncertain Significance.

ARUP Laboratories, Molecular Genetics and Genomics, ARUP Laboratories
Classification: Uncertain significance. Last evaluated: 2023-02-28. Review status: criteria provided, single submitter. Criteria: ARUP Molecular Germline Variant Investigation Process 2024. Collection method: clinical testing. Allele origin: germline.
Comment: The COL1A1 c.2819A>T; p.Asp940Val variant (rs1339193404), to our knowledge, is not reported in the medical literature but is reported in ClinVar (Variation ID: 1331231). This variant is absent from the Genome Aggregation Database, indicating it is not a common polymorphism. Computational analyses predict that this variant is deleterious (REVEL: 0.779). Due to limited information, the clinical significance of this variant is uncertain at this time.

PreventionGenetics, part of Exact Sciences
Classification: Uncertain significance for COL1A1-related condition. Last evaluated: 2022-09-13. Review status: criteria provided, single submitter. Criteria: ACMG Guidelines, 2015. Collection method: clinical testing. Allele origin: germline.
Comment: The COL1A1 c.2819A>T variant is predicted to result in the amino acid substitution p.Asp940Val. To our knowledge, this variant has not been reported in the literature or in a large population database, indicating this variant is rare. At this time, the clinical significance of this variant is uncertain due to the absence of conclusive functional and genetic evidence.

GeneDx
Classification: Uncertain significance. Last evaluated: 2021-06-30. Review status: criteria provided, single submitter. Criteria: GeneDx Variant Classification Process June 2021. Collection method: clinical testing. Allele origin: germline. Affected: yes.
Comment: Has not been previously published as pathogenic or benign to our knowledge; Not observed at significant frequency in large population cohorts (Lek et al., 2016); In silico analysis supports that this missense variant has a deleterious effect on protein structure/function; Occurs in the triple helical domain at the Y position in the canonical Gly-X-Y repeat; although this variant may have an effect on normal protein folding and function, missense substitution at the Y position is not a common mechanism of disease (Stenson et al., 2014); This variant is associated with the following publications: (PMID: 24077912, 27535533)